The following is an entry in ClinVar:

NM_001352027.3(PHF21A):c.713A>G (p.Lys238Arg)

Gene: PHF21A (PHD finger protein 21A; minus strand). Cytogenetic location: 11p11.2.
Variant type: single nucleotide variant.
Coding change: c.713A>G on transcript NM_001352027.3 (MANE Select); coding-DNA position 713, A replaced by G.
Protein change: p.Lys238Arg; replaces lysine 238 with arginine.
Molecular consequence: missense variant. On other transcripts: non-coding transcript variant (2).
Genome position (GRCh38, 1-based): chr11:45,965,598, T>C on the plus strand (A>G on the coding strand, the complement: PHF21A is on the minus strand). VCF-style: chr11-45965598-T-C. GRCh37 (hg19) VCF-style: chr11-45987149-T-C.
Other names: c.710A>G, p.Lys237Arg (NM_001101802.3, NM_001352030.3, NM_001352031.3 and 1 more transcripts); c.713A>G, p.Lys238Arg (NM_001352025.3, NM_001352026.3, NM_001352028.1 and 2 more transcripts); short protein forms K238R, K237R.
Identifiers: ClinVar variation 2466051 (VCV002466051.7), dbSNP rs772957304, ClinGen allele CA5961289.
Genomic context (GRCh38, chr11:45,965,598, plus strand): 5'-GGAGCTGCGAGCATGGGAGGTGGTGCTGGGGCAATAGGAATGTTATTCTGGGCCACAGGC[T>C]TGGGTCGAACCTATAGGGGAAAGAGAGAATAATTATTGTATTACTTAAGCTGCTCAAGTC-3'
Protein context (NP_001338956.1, residues 228-248): RPNFLPQVRP[Lys238Arg]PVAQNNIPIA

ClinVar aggregate classification (germline): Uncertain significance. Review status: criteria provided, multiple submitters, no conflicts (2 of 4 stars). 2 submissions from 2 submitters: Uncertain significance (2). Last evaluated 2025-04-29.

Conditions:
Inborn genetic diseases. Identifiers: MedGen C0950123, MeSH D030342.

Allele frequency attached by ClinVar (database versions not stated): gnomAD exomes below 0.00001; gnomAD 0.00002; ExAC 0.00001.
gnomAD v4.1: 8 of 1,550,484 alleles (0.00052%); highest among the groups gnomAD compares: Admixed American, 0.011%; no homozygotes.

Submissions (2):

Ambry Genetics
Classification: Uncertain significance for Inborn genetic diseases. Last evaluated: 2025-04-29. Review status: criteria provided, single submitter. Criteria: Ambry Variant Classification Scheme 2023. Collection method: clinical testing. Allele origin: germline.

Labcorp Genetics (formerly Invitae), Labcorp
Classification: Uncertain significance. Last evaluated: 2025-03-04. Review status: criteria provided, single submitter. Criteria: Invitae Variant Classification Sherloc (09022015). Collection method: clinical testing. Allele origin: germline.
Comment: This sequence change replaces lysine, which is basic and polar, with arginine, which is basic and polar, at codon 237 of the PHF21A protein (p.Lys237Arg). This variant is present in population databases (rs772957304, gnomAD 0.001%). This variant has not been reported in the literature in individuals affected with PHF21A-related conditions. ClinVar contains an entry for this variant (Variation ID: 2466051). Invitae Evidence Modeling of protein sequence and biophysical properties (such as structural, functional, and spatial information, amino acid conservation, physicochemical variation, residue mobility, and thermodynamic stability) indicates that this missense variant is not expected to disrupt PHF21A protein function with a negative predictive value of 80%. In summary, the available evidence is currently insufficient to determine the role of this variant in disease. Therefore, it has been classified as a Variant of Uncertain Significance.